The following is an entry in ClinVar:

ClinVar aggregate classification (germline): Uncertain significance (1 of 4 stars; one submission).

Conditions:
Inborn genetic diseases. Identifiers: MedGen C0950123, MeSH D030342.

Allele frequency attached by ClinVar (database versions not stated): gnomAD exomes below 0.00001; ExAC 0.00001; TOPMed 0.00001.
gnomAD v4.1: 4 of 1,614,068 alleles (0.00025%); highest among the groups gnomAD compares: Non-Finnish European, 0.00034%; no homozygotes.

Submission:

Ambry Genetics
Classification: Uncertain significance for Inborn genetic diseases. Last evaluated: 2020-09-14. Review status: criteria provided, single submitter. Criteria: Ambry Variant Classification Scheme 2023. Collection method: clinical testing. Allele origin: germline.
Comment: The p.S603R variant (also known as c.1809C>G), located in coding exon 9 of the SPG11 gene, results from a C to G substitution at nucleotide position 1809. The serine at codon 603 is replaced by arginine, an amino acid with dissimilar properties. This amino acid position is highly conserved in available vertebrate species. In addition, the in silico prediction for this alteration is inconclusive. Since supporting evidence is limited at this time, the clinical significance of this alteration remains unclear.

NM_025137.4(SPG11):c.1809C>G (p.Ser603Arg)

Gene: SPG11 (SPG11 vesicle trafficking associated, spatacsin; minus strand). Cytogenetic location: 15q21.1.
Variant type: single nucleotide variant.
Coding change: c.1809C>G on transcript NM_025137.4 (MANE Select); coding-DNA position 1809, C replaced by G.
Protein change: p.Ser603Arg; replaces serine 603 with arginine.
Molecular consequence: missense variant.
Genome position (GRCh38, 1-based): chr15:44,629,315, G>C on the plus strand (C>G on the coding strand, the complement: SPG11 is on the minus strand). VCF-style: chr15-44629315-G-C. GRCh37 (hg19) VCF-style: chr15-44921513-G-C.
Other names: c.1809C>G, p.Ser603Arg (NM_001160227.2, NM_001411132.1); short protein forms S603R.
Identifiers: ClinVar variation 1780522 (VCV001780522.2), dbSNP rs745375244, ClinGen allele CA7535433.